The following is an entry in ClinVar:

NM_012471.3(TRPC5):c.1650T>C (p.Pro550=)

Gene: TRPC5 (transient receptor potential cation channel subfamily C member 5; minus strand). Cytogenetic location: Xq23.
Variant type: single nucleotide variant.
Coding change: c.1650T>C on transcript NM_012471.3 (MANE Select); coding-DNA position 1650, T replaced by C.
Protein change: p.Pro550=; no amino-acid change (proline 550 retained).
Molecular consequence: synonymous variant.
Genome position (GRCh38, 1-based): chrX:111,847,164, A>G on the plus strand (T>C on the coding strand, the complement: TRPC5 is on the minus strand). VCF-style: chrX-111847164-A-G. GRCh37 (hg19) VCF-style: chrX-111090392-A-G.
Identifiers: ClinVar variation 4989806 (VCV004989806.1).

ClinVar aggregate classification (germline): Likely benign (1 of 4 stars; one submission).

Conditions:
TRPC5-related disorder. Also called: TRPC5-related condition.

Submission:

PreventionGenetics, part of Exact Sciences
Classification: Likely benign for TRPC5-related condition. Last evaluated: 2025-08-13. Review status: criteria provided, single submitter. Criteria: ACMG Guidelines, 2015. Collection method: clinical testing. Allele origin: germline.
Comment: This variant is classified as likely benign based on ACMG/AMP sequence variant interpretation guidelines (Richards et al. 2015 PMID: 25741868, with internal and published modifications).